The following is an entry in ClinVar:

NM_017841.4(SDHAF2):c.260+2T>C

Gene: SDHAF2 (succinate dehydrogenase complex assembly factor 2; plus strand). Cytogenetic location: 11q12.2.
Variant type: single nucleotide variant.
Coding change: c.260+2T>C on transcript NM_017841.4 (MANE Select); the canonical splice donor site of the intron after coding-DNA position 260, T replaced by C.
Molecular consequence: splice donor variant.
Genome position (GRCh38, 1-based): chr11:61,437,850, T>C. VCF-style: chr11-61437850-T-C. GRCh37 (hg19) VCF-style: chr11-61205322-T-C.
Identifiers: ClinVar variation 1067722 (VCV001067722.7), dbSNP rs2134892557, ClinGen allele CA380683968.

ClinVar aggregate classification (germline): Likely pathogenic (1 of 4 stars; one submission).

Conditions:
Hereditary pheochromocytoma and paraganglioma. Also called: Hereditary paragangliomas and pheochromocytomas; Hereditary pheochromocytoma-paraganglioma; Hereditary Paraganglioma-Pheochromocytoma Syndromes. Identifiers: Orphanet 29072, MedGen C4274332, MONDO:0017366.

Submission:

Labcorp Genetics (formerly Invitae), Labcorp
Classification: Likely pathogenic for Hereditary pheochromocytoma and paraganglioma. Last evaluated: 2020-10-13. Review status: criteria provided, single submitter. Criteria: Invitae Variant Classification Sherloc (09022015). Collection method: clinical testing. Allele origin: germline.
Comment: Donor and acceptor splice site variants typically lead to a loss of protein function (PMID: 16199547), and loss-of-function variants in SDHAF2 are known to be pathogenic (PMID: 22241717, 26096992). In summary, the currently available evidence indicates that the variant is pathogenic, but additional data are needed to prove that conclusively. Therefore, this variant has been classified as Likely Pathogenic. Algorithms developed to predict the effect of sequence changes on RNA splicing suggest that this variant may disrupt the consensus splice site, but this prediction has not been confirmed by published transcriptional studies. This sequence change affects a donor splice site in intron 2 of the SDHAF2 gene. It is expected to disrupt RNA splicing and likely results in an absent or disrupted protein product. This variant is not present in population databases (ExAC no frequency). This variant has not been reported in the literature in individuals with SDHAF2-related conditions.

Literature cited by the submitters: PubMed 16199547; PubMed 22241717; PubMed 26096992.